The following is an entry in ClinVar:

ClinVar aggregate classification (germline): Likely benign. Review status: criteria provided, multiple submitters, no conflicts (2 of 4 stars). 5 submissions from 5 submitters: Likely benign (5). Last evaluated 2026-08-01.

Conditions:
Hereditary cancer-predisposing syndrome. Also called: Hereditary neoplastic syndrome; Neoplastic Syndromes, Hereditary; Tumor predisposition; Hereditary Cancer Syndrome. Identifiers: Orphanet 140162, MedGen C0027672, MeSH D009386, MONDO:0015356.

Submissions (5):

CeGaT Center for Human Genetics Tuebingen
Classification: Likely benign. Last evaluated: 2026-08-01. Review status: criteria provided, single submitter. Criteria: CeGaT Center For Human Genetics Tuebingen Variant Classification Criteria Version 2. Collection method: clinical testing. Allele origin: germline. Affected: yes. Observed: 4 variant alleles.
Comment: PTCH1: BS1

Center for Genomic Medicine, Rigshospitalet, Copenhagen University Hospital
Classification: Likely benign. Last evaluated: 2025-12-29. Review status: criteria provided, single submitter. Criteria: ACMG Guidelines, 2015. Collection method: clinical testing. Allele origin: germline.
Comment: Classification criteria: BS1, BP3

Ambry Genetics
Classification: Likely benign for Hereditary cancer-predisposing syndrome. Last evaluated: 2025-02-24. Review status: criteria provided, single submitter. Criteria: Ambry Variant Classification Scheme 2023. Collection method: clinical testing. Allele origin: germline.

Blueprint Genetics
Classification: Likely benign. Last evaluated: 2024-11-22. Review status: criteria provided, single submitter. Criteria: ACMG Guidelines, 2015. Collection method: clinical testing. Allele origin: germline.

Sema4
Classification: Likely benign for Hereditary cancer-predisposing syndrome. Last evaluated: 2021-04-05. Review status: criteria provided, single submitter. Criteria: Sema4 Curation Guidelines. Collection method: curation. Allele origin: germline.

NM_001083603.3(PTCH1):c.130GAA[6] (p.Glu48_Asn49insGlu)

Gene: PTCH1 (patched 1; minus strand). Cytogenetic location: 9q22.32.
Variant type: Microsatellite.
Coding change: c.130GAA[6] on transcript NM_001083603.3 (MANE Plus Clinical); six copies in a row of the 3-base unit GAA starting at c.130; the reference has five copies in a row; one copy, 3 bases duplicated.
Protein change: p.Glu48_Asn49insGlu.
Molecular consequence: inframe insertion. On other transcripts: 5 prime UTR variant (2).
Genome position (GRCh38, 1-based): chr9:95,516,677-95,516,679, TTC duplicated on the plus strand (GAA on the coding strand, the reverse complement: PTCH1 is on the minus strand); duplicating any 3 consecutive bases within chr9:95,516,677-95,516,692 gives the same sequence; the position shown is the placement nearest the transcript's 3' end. VCF-style (leftmost placement, unchanged base first): chr9-95516676-T-TTTC. GRCh37 (hg19) VCF-style: chr9-98278958-T-TTTC.
Other names: c.-220GAA[6] (NM_001083602.3, NM_001354919.2); c.142_144dupGAA (NM_001083603.3).
Identifiers: ClinVar variation 1692540 (VCV001692540.25), dbSNP rs112914470, ClinGen allele CA5139098.